The following is an entry in ClinVar:

ClinVar aggregate classification (germline): Uncertain significance (1 of 4 stars; one submission).

Submission:

Labcorp Genetics (formerly Invitae), Labcorp
Classification: Uncertain significance. Last evaluated: 2022-02-18. Review status: criteria provided, single submitter. Criteria: Invitae Variant Classification Sherloc (09022015). Collection method: clinical testing. Allele origin: germline.
Comment: In summary, the available evidence is currently insufficient to determine the role of this variant in disease. Therefore, it has been classified as a Variant of Uncertain Significance. Experimental studies and prediction algorithms are not available or were not evaluated, and the functional significance of this variant is currently unknown. This variant has not been reported in the literature in individuals affected with DYM-related conditions. This variant is not present in population databases (gnomAD no frequency). This variant, c.1085_1087del, results in the deletion of 1 amino acid(s) of the DYM protein (p.Ile362del), but otherwise preserves the integrity of the reading frame.

NM_001353214.3(DYM):c.1085_1087del (p.Ile362del)

Gene: DYM (dymeclin; minus strand). Cytogenetic location: 18q21.1.
Variant type: Deletion.
Coding change: c.1085_1087del on transcript NM_001353214.3 (MANE Select); coding-DNA positions 1085 to 1087, 3 bases deleted (TTA; older notation c.1085_1087delTTA).
Protein change: p.Ile362del; deletes isoleucine 362.
Molecular consequence: inframe deletion.
Genome position (GRCh38, 1-based): chr18:49,282,035-49,282,037, TAA deleted on the plus strand (TTA on the coding strand, the reverse complement: DYM is on the minus strand); deleting any 3 consecutive bases within chr18:49,282,035-49,282,039 gives the same sequence; the c. name uses the placement nearest the transcript's 3' end. VCF-style (leftmost placement, unchanged base first): chr18-49282034-CTAA-C. GRCh37 (hg19) VCF-style: chr18-46808404-CTAA-C.
Other names: c.1082_1084del, p.Ile361del (NM_001353210.3, NM_001353211.3, NM_001353212.3 and 3 more transcripts); c.1085_1087del, p.Ile362del (NM_001353215.3, NM_001353216.3, NM_001374428.1 and 5 more transcripts); c.1079_1081del, p.Ile360del (NM_001374429.1, NM_001374439.1); c.959_961del, p.Ile320del (NM_001374432.1, NM_001374436.1); c.902_904del, p.Ile301del (NM_001374437.1); c.857_859del, p.Ile286del (NM_001374440.1); c.515_517del, p.Ile172del (NM_001374441.1, NM_001374442.1, NM_001374444.1); c.512_514del, p.Ile171del (NM_001374443.1); short protein forms I361del, I362del, I286del, I320del, I171del, I172del, I301del, I360del.
Identifiers: ClinVar variation 2099011 (VCV002099011.4), dbSNP rs2517953591, ClinGen allele CA2580095782.